The following is an entry in ClinVar:

ClinVar aggregate classification (germline): Uncertain significance (1 of 4 stars; one submission).

Conditions:
Neuromuscular disease caused by qualitative or quantitative defects of dysferlin. Also called: Qualitative or quantitative defects of dysferlin; Dysferlinopathy. Identifiers: Orphanet 207073, MedGen C2931687, MONDO:0016145.

Submission:

Labcorp Genetics (formerly Invitae), Labcorp
Classification: Uncertain significance for Neuromuscular disease caused by qualitative or quantitative defects of dysferlin. Last evaluated: 2021-04-05. Review status: criteria provided, single submitter. Criteria: Invitae Variant Classification Sherloc (09022015). Collection method: clinical testing. Allele origin: germline.
Comment: This sequence change replaces isoleucine with valine at codon 1551 of the DYSF protein (p.Ile1551Val). The isoleucine residue is moderately conserved and there is a small physicochemical difference between isoleucine and valine. This variant is not present in population databases (ExAC no frequency). This variant has not been reported in the literature in individuals with DYSF-related conditions. Advanced modeling of protein sequence and biophysical properties (such as structural, functional, and spatial information, amino acid conservation, physicochemical variation, residue mobility, and thermodynamic stability) performed at Invitae indicates that this missense variant is not expected to disrupt DYSF protein function. Algorithms developed to predict the effect of sequence changes on RNA splicing suggest that this variant may create or strengthen a splice site, but this prediction has not been confirmed by published transcriptional studies. In summary, the available evidence is currently insufficient to determine the role of this variant in disease. Therefore, it has been classified as a Variant of Uncertain Significance.

NM_001130987.2(DYSF):c.4768A>G (p.Ile1590Val)

Gene: DYSF (dysferlin; plus strand). Cytogenetic location: 2p13.2.
Variant type: single nucleotide variant.
Coding change: c.4768A>G on transcript NM_001130987.2 (MANE Select); coding-DNA position 4768, A replaced by G.
Protein change: p.Ile1590Val; replaces isoleucine 1590 with valine.
Molecular consequence: missense variant.
Genome position (GRCh38, 1-based): chr2:71,658,890, A>G. VCF-style: chr2-71658890-A-G. GRCh37 (hg19) VCF-style: chr2-71886020-A-G.
Other names: c.4654A>G, p.Ile1552Val (NM_001130455.2); c.4609A>G, p.Ile1537Val (NM_001130976.2); c.4672A>G, p.Ile1558Val (NM_001130977.2); c.4714A>G, p.Ile1572Val (NM_001130978.2); c.4744A>G, p.Ile1582Val (NM_001130979.2); c.4702A>G, p.Ile1568Val (NM_001130980.2); c.4765A>G, p.Ile1589Val (NM_001130981.2); c.4747A>G, p.Ile1583Val (NM_001130982.2); and 5 more; short protein forms I1551V, I1559V, I1573V, I1589V, I1552V, I1569V, I1583V, I1538V.
Identifiers: ClinVar variation 1941643 (VCV001941643.2), dbSNP rs2546493993, ClinGen allele CA347219616.